The following is an entry in ClinVar:

ClinVar aggregate classification (germline): Uncertain significance. Review status: criteria provided, multiple submitters, no conflicts (2 of 4 stars). 2 submissions from 2 submitters: Uncertain significance (2). Last evaluated 2019-10-11.

Submissions (2):

GeneDx
Classification: Uncertain significance. Last evaluated: 2019-10-11. Review status: criteria provided, single submitter. Criteria: GeneDx Variant Classification Process June 2021. Collection method: clinical testing. Allele origin: germline. Affected: yes.
Comment: Not observed in large population cohorts (Lek et al., 2016); In silico analysis, which includes protein predictors and evolutionary conservation, supports that this variant does not alter protein structure/function

Athena Diagnostics
Classification: Uncertain significance. Last evaluated: 2017-05-03. Review status: criteria provided, single submitter. Criteria: Athena Diagnostics Criteria. Collection method: clinical testing. Allele origin: germline.

NM_000170.3(GLDC):c.1831G>C (p.Val611Leu)

Gene: GLDC (glycine decarboxylase; minus strand). Cytogenetic location: 9p24.1.
Variant type: single nucleotide variant.
Coding change: c.1831G>C on transcript NM_000170.3 (MANE Select); coding-DNA position 1831, G replaced by C.
Protein change: p.Val611Leu; replaces valine 611 with leucine.
Molecular consequence: missense variant.
Genome position (GRCh38, 1-based): chr9:6,587,160, C>G on the plus strand (G>C on the coding strand, the complement: GLDC is on the minus strand). VCF-style: chr9-6587160-C-G. GRCh37 (hg19) VCF-style: chr9-6587160-C-G.
Other names: short protein forms V611L.
Identifiers: ClinVar variation 447452 (VCV000447452.3), dbSNP rs1554646513, ClinGen allele CA372891207.